The following is an entry in ClinVar:

ClinVar aggregate classification (germline): Uncertain significance (1 of 4 stars; one submission).

Submission:

Women's Health and Genetics/Laboratory Corporation of America, LabCorp
Classification: Uncertain significance. Last evaluated: 2024-05-21. Review status: criteria provided, single submitter. Criteria: LabCorp Variant Classification Summary - May 2015. Collection method: clinical testing. Allele origin: germline.
Comment: Variant summary: PCCB c.1403C>T (p.Ala468Val) results in a non-conservative amino acid change located in the Acetyl-coenzyme A carboxyltransferase, C-terminal domain (IPR011763) of the encoded protein sequence. Five of five in-silico tools predict a damaging effect of the variant on protein function. The variant was absent in 251050 control chromosomes. The available data on variant occurrences in the general population are insufficient to allow any conclusion about variant significance. c.1403C>T has been reported in the literature in compound heterozygous state with a pathogenic variant in an individual affected with Autosomal recessive Propionic Acidemia (Zhang_2023, Guo_2023). These data do not allow any conclusion about variant significance. To our knowledge, no experimental evidence demonstrating an impact on protein function has been reported. The following publications have been ascertained in the context of this evaluation (PMID: 37308883, 37689673). No submitters have cited clinical-significance assessments for this variant to ClinVar. Based on the evidence outlined above, the variant was classified as uncertain significance.

Literature cited by the submitters: PubMed 37308883; PubMed 37689673.

NM_000532.5(PCCB):c.1403C>T (p.Ala468Val)

Gene: PCCB (propionyl-CoA carboxylase subunit beta; plus strand). Cytogenetic location: 3q22.3.
Variant type: single nucleotide variant.
Coding change: c.1403C>T on transcript NM_000532.5 (MANE Select); coding-DNA position 1403, C replaced by T.
Protein change: p.Ala468Val; replaces alanine 468 with valine.
Molecular consequence: missense variant.
Genome position (GRCh38, 1-based): chr3:136,328,762, C>T. VCF-style: chr3-136328762-C-T. GRCh37 (hg19) VCF-style: chr3-136047604-C-T.
Other names: c.1463C>T, p.Ala488Val (NM_001178014.2); short protein forms A468V, A488V.
Identifiers: ClinVar variation 3336468 (VCV003336468.1).